The following is an entry in ClinVar:

ClinVar aggregate classification (germline): Uncertain significance (1 of 4 stars; one submission).

Conditions:
Nephronophthisis. Also called: Juvenile Nephronophthisis. Identifiers: Orphanet 655, MedGen C0687120, MONDO:0019005, HP:0000090.

gnomAD v4.1: 7 of 1,613,510 alleles (0.00043%); highest among the groups gnomAD compares: Admixed American, 0.0017%; no homozygotes.

Submission:

Labcorp Genetics (formerly Invitae), Labcorp
Classification: Uncertain significance for Nephronophthisis. Last evaluated: 2021-09-08. Review status: criteria provided, single submitter. Criteria: Invitae Variant Classification Sherloc (09022015). Collection method: clinical testing. Allele origin: germline.
Comment: This sequence change replaces histidine with aspartic acid at codon 387 of the NPHP4 protein (p.His387Asp). The histidine residue is moderately conserved and there is a moderate physicochemical difference between histidine and aspartic acid. This variant is not present in population databases (ExAC no frequency). This variant has not been reported in the literature in individuals affected with NPHP4-related conditions. Algorithms developed to predict the effect of missense changes on protein structure and function are either unavailable or do not agree on the potential impact of this missense change (SIFT: "Tolerated"; PolyPhen-2: "Possibly Damaging"; Align-GVGD: "Class C0"). In summary, the available evidence is currently insufficient to determine the role of this variant in disease. Therefore, it has been classified as a Variant of Uncertain Significance.

NM_015102.5(NPHP4):c.1159C>G (p.His387Asp)

Gene: NPHP4 (nephrocystin 4; minus strand). Cytogenetic location: 1p36.31.
Variant type: single nucleotide variant.
Coding change: c.1159C>G on transcript NM_015102.5 (MANE Select); coding-DNA position 1159, C replaced by G.
Protein change: p.His387Asp; replaces histidine 387 with aspartic acid.
Molecular consequence: missense variant. On other transcripts: 5 prime UTR variant (2), non-coding transcript variant (1).
Genome position (GRCh38, 1-based): chr1:5,933,290, G>C on the plus strand (C>G on the coding strand, the complement: NPHP4 is on the minus strand). VCF-style: chr1-5933290-G-C. GRCh37 (hg19) VCF-style: chr1-5993350-G-C.
Other names: c.-208C>G (NM_001291593.2, NM_001291594.2); short protein forms H387D.
Identifiers: ClinVar variation 957996 (VCV000957996.7), dbSNP rs1041404643, ClinGen allele CA17142132.